The following is an entry in ClinVar:

ClinVar aggregate classification (germline): Conflicting classifications of pathogenicity. Review status: criteria provided, conflicting classifications (1 of 4 stars). 4 submissions from 4 submitters: Uncertain significance (3); Likely benign (1). Last evaluated 2025-10-06.

Conditions:
Hereditary cancer-predisposing syndrome. Also called: Hereditary neoplastic syndrome; Neoplastic Syndromes, Hereditary; Tumor predisposition; Hereditary Cancer Syndrome. Identifiers: Orphanet 140162, MedGen C0027672, MeSH D009386, MONDO:0015356.
Microcephaly, normal intelligence and immunodeficiency (NBS). Also called: IMMUNODEFICIENCY, MICROCEPHALY, AND CHROMOSOMAL INSTABILITY; SEEMANOVA SYNDROME II; Immunodeficiency, microcephaly with normal intelligence; Ataxia telangiectasia variant V1; Nijmegen breakage syndrome; Microcephaly with normal intelligence immunodeficiency and lymphoreticular malignancies. Identifiers: Orphanet 647, MedGen C0398791, MONDO:0009623, OMIM 251260.

Allele frequency attached by ClinVar (database versions not stated): TOPMed below 0.00001.
gnomAD v4.1: 1 of 1,612,642 alleles (0.000062%); no homozygotes.

Submissions (4):

Labcorp Genetics (formerly Invitae), Labcorp
Classification: Likely benign for Microcephaly, normal intelligence and immunodeficiency. Last evaluated: 2025-10-06. Review status: criteria provided, single submitter. Criteria: Invitae Variant Classification Sherloc (09022015). Collection method: clinical testing. Allele origin: germline.

Ambry Genetics
Classification: Uncertain significance for Hereditary cancer-predisposing syndrome. Last evaluated: 2025-08-25. Review status: criteria provided, single submitter. Criteria: Ambry Variant Classification Scheme 2023. Collection method: clinical testing. Allele origin: germline.
Comment: The p.I132M variant (also known as c.396A>G), located in coding exon 4 of the NBN gene, results from an A to G substitution at nucleotide position 396. The isoleucine at codon 132 is replaced by methionine, an amino acid with highly similar properties. This amino acid position is poorly conserved in available vertebrate species. In addition, this alteration is predicted to be tolerated by in silico analysis. Since supporting evidence is limited at this time, the clinical significance of this alteration remains unclear.

Genome-Nilou Lab
Classification: Uncertain significance for Microcephaly, normal intelligence and immunodeficiency. Last evaluated: 2021-11-07. Review status: criteria provided, single submitter. Criteria: ACMG Guidelines, 2015. Collection method: clinical testing. Allele origin: germline. Affected: no.

Quest Diagnostics Nichols Institute San Juan Capistrano
Classification: Uncertain significance. Last evaluated: 2021-04-14. Review status: criteria provided, single submitter. Criteria: Quest Diagnostics criteria. Collection method: clinical testing. Allele origin: unknown.

NM_002485.5(NBN):c.396A>G (p.Ile132Met)

Gene: NBN (nibrin; minus strand). Cytogenetic location: 8q21.3.
Variant type: single nucleotide variant.
Coding change: c.396A>G on transcript NM_002485.5 (MANE Select); coding-DNA position 396, A replaced by G.
Protein change: p.Ile132Met; replaces isoleucine 132 with methionine.
Molecular consequence: missense variant.
Genome position (GRCh38, 1-based): chr8:89,980,818, T>C on the plus strand (A>G on the coding strand, the complement: NBN is on the minus strand). VCF-style: chr8-89980818-T-C. GRCh37 (hg19) VCF-style: chr8-90993046-T-C.
Other names: c.150A>G, p.Ile50Met (NM_001024688.3); short protein forms I132M, I50M.
Identifiers: ClinVar variation 411750 (VCV000411750.17), dbSNP rs1060503462, ClinGen allele CA16612674.
Genomic context (GRCh38, chr8:89,980,818, plus strand): 5'-CATGACAAGGTGAGTGCATTCTTCTGTCCAATTGTTTACAGTAAATCCTCCAAGTTGCAA[T>C]ATAGCTTGATTTAAAGCAGTTTTCCCAGAGACATCTAAACAAGAAGAGCATGCAACCAAA-3'
Protein context (NP_002476.2, residues 122-142): VSGKTALNQA[Ile132Met]LQLGGFTVNN